The following is an entry in ClinVar:

NM_000530.8(MPZ):c.379T>G (p.Cys127Gly)

Gene: MPZ (myelin protein zero; minus strand). Cytogenetic location: 1q23.3.
Variant type: single nucleotide variant.
Coding change: c.379T>G on transcript NM_000530.8 (MANE Select); coding-DNA position 379, T replaced by G.
Protein change: p.Cys127Gly; replaces cysteine 127 with glycine.
Molecular consequence: missense variant.
Genome position (GRCh38, 1-based): chr1:161,306,777, A>C on the plus strand (T>G on the coding strand, the complement: MPZ is on the minus strand). VCF-style: chr1-161306777-A-C. GRCh37 (hg19) VCF-style: chr1-161276567-A-C.
Other names: c.379T>G, p.Cys127Gly (NM_001315491.2); short protein forms C127G.
Identifiers: ClinVar variation 1933174 (VCV001933174.5), dbSNP rs2526238124, ClinGen allele CA343348883.
Genomic context (GRCh38, chr1:161,306,777, plus strand): 5'-AGACATACAGCGTGACCTGAGAGGTCTTGCCCACTATGTCTGGAGGGTTTTTGACGTCAC[A>C]AGTGAACGTGCCATTGTCACTGTAGTCTAGGTTGTGTATGACAATGGAGCCATCCTTCCA-3'
Protein context (NP_000521.2, residues 117-137): LDYSDNGTFT[Cys127Gly]DVKNPPDIVG

ClinVar aggregate classification (germline): Uncertain significance (1 of 4 stars; one submission).

Conditions:
Charcot-Marie-Tooth disease, type I (CMT1). Also called: Charcot-Marie-Tooth, Type 1; Charcot-Marie-Tooth disease type 1. Identifiers: Orphanet 65753, MedGen C0751036, MONDO:0019011.

Submission:

Labcorp Genetics (formerly Invitae), Labcorp
Classification: Uncertain significance for Charcot-Marie-Tooth disease, type I. Last evaluated: 2022-04-19. Review status: criteria provided, single submitter. Criteria: Invitae Variant Classification Sherloc (09022015). Collection method: clinical testing. Allele origin: germline.
Comment: This variant is not present in population databases (gnomAD no frequency). This variant has not been reported in the literature in individuals affected with MPZ-related conditions. Algorithms developed to predict the effect of missense changes on protein structure and function (SIFT, PolyPhen-2, Align-GVGD) all suggest that this variant is likely to be disruptive. This variant disrupts the p.Cys127 amino acid residue in MPZ. Other variant(s) that disrupt this residue have been determined to be pathogenic (PMID: 33825325; Invitae). This suggests that this residue is clinically significant, and that variants that disrupt this residue are likely to be disease-causing. In summary, the available evidence is currently insufficient to determine the role of this variant in disease. Therefore, it has been classified as a Variant of Uncertain Significance. This sequence change replaces cysteine, which is neutral and slightly polar, with glycine, which is neutral and non-polar, at codon 127 of the MPZ protein (p.Cys127Gly).

Literature cited by the submitters: PubMed 33825325.